The following is an entry in ClinVar:

NM_025114.4(CEP290):c.4522C>T (p.Arg1508Ter)

Gene: CEP290 (centrosomal protein 290; minus strand). Cytogenetic location: 12q21.32.
Variant type: single nucleotide variant.
Coding change: c.4522C>T on transcript NM_025114.4 (MANE Select); coding-DNA position 4522, C replaced by T.
Protein change: p.Arg1508Ter; replaces arginine 1508 with a stop codon.
Molecular consequence: nonsense.
Genome position (GRCh38, 1-based): chr12:88,084,768, G>A on the plus strand (C>T on the coding strand, the complement: CEP290 is on the minus strand). VCF-style: chr12-88084768-G-A. GRCh37 (hg19) VCF-style: chr12-88478545-G-A.
Other names: short protein forms R1508*.
Identifiers: ClinVar variation 217639 (VCV000217639.31), dbSNP rs749439750, ClinGen allele CA277724.

ClinVar aggregate classification (germline): Pathogenic. Review status: criteria provided, multiple submitters, no conflicts (2 of 4 stars). 17 submissions from 17 submitters: Pathogenic (14). 3 of the submissions do not count toward it. Last evaluated 2026-06-29.

Conditions:
CEP290-related disorder. Also called: CEP290-related condition; CEP290-related disorders. Identifiers: MedGen CN239314.
CEP290-related ciliopathy. Also called: CEP290 ciliopathy. Identifiers: MedGen CN305601, MONDO:0100451.
Nephronophthisis. Also called: Juvenile Nephronophthisis. Identifiers: Orphanet 655, MedGen C0687120, MONDO:0019005, HP:0000090.
Joubert syndrome. Also called: Familial aplasia of the vermis; JOUBERT-BOLTSHAUSER SYNDROME. Identifiers: Orphanet 475, MedGen C5979921, MONDO:0018772.
Meckel-Gruber syndrome. Also called: DYSENCEPHALIA SPLANCHNOCYSTICA; GRUBER SYNDROME; Dysencephalia splachnocystica. Identifiers: Orphanet 564, MedGen C0265215, MONDO:0018921.
Leber congenital amaurosis 10 (LCA10). Identifiers: Orphanet 65, MedGen C1857821, MONDO:0012723, OMIM 611755.
Senior-Loken syndrome 6 (SLSN6). Identifiers: Orphanet 3156, MedGen C1857779, MONDO:0012433, OMIM 610189.
Joubert syndrome 5 (JBTS5). Identifiers: Orphanet 2318, MedGen C1857780, MONDO:0012432, OMIM 610188.
Bardet-Biedl syndrome 14 (BBS14). Identifiers: Orphanet 110, MedGen C2673874, MONDO:0014442, OMIM 615991.
Meckel syndrome, type 4 (MKS4). Also called: MECKEL-GRUBER SYNDROME, TYPE 4. Identifiers: Orphanet 564, MedGen C1970161, MONDO:0012626, OMIM 611134.
Retinal dystrophy. Also called: Inherited retinal dystrophy. Identifiers: Orphanet 71862, MedGen C0854723, MeSH D058499, MONDO:0019118, HP:0000556.
Leber congenital amaurosis (LCA). Also called: Leber's amaurosis. Identifiers: Orphanet 65, MedGen C0339527, MeSH D057130, MONDO:0018998.

Allele frequency attached by ClinVar (database versions not stated): gnomAD exomes 0.00001; ExAC 0.00002; gnomAD 0.00002.
gnomAD v4.1: 18 of 1,613,310 alleles (0.0011%); highest among the groups gnomAD compares: Admixed American, 0.0017%; no homozygotes.

Submissions (17):

PreventionGenetics, part of Exact Sciences
Classification: Pathogenic for CEP290-related condition. Last evaluated: 2026-06-29. Review status: criteria provided, single submitter. Criteria: ACMG Guidelines, 2015. Collection method: clinical testing. Allele origin: germline.
Comment: The CEP290 c.4522C>T variant is predicted to result in premature protein termination (p.Arg1508*). This variant has been reported in individuals with Joubert syndrome (see for example: Table S5, Bachmann-Gagescu et al 2015. PubMed ID: 26092869; Wang et al. 2023. PubMed ID: 36990420). This variant is reported in 0.00089% of alleles in individuals of European (Non-Finnish) descent in gnomAD. Nonsense variants in CEP290 are expected to be pathogenic. This variant is interpreted as pathogenic.

Myriad Genetics, Inc.
Classification: Pathogenic for CEP290-related ciliopathy. Last evaluated: 2025-08-11. Review status: criteria provided, single submitter. Criteria: Myriad Autosomal Dominant, Autosomal Recessive and X-Linked Classification Criteria (2023). Collection method: clinical testing. Allele origin: unknown.
Comment: NM_025114.3(CEP290):c.4522C>T(R1508*) is a nonsense variant classified as pathogenic in the context of CEP290-related disorders. R1508* has been observed in a case with relevant disease (PMID: 33249554). Relevant functional assessments of this variant are not available in the literature. R1508* has been observed in referenced population frequency databases. In summary, NM_025114.3(CEP290):c.4522C>T(R1508*) is a nonsense variant in a gene where loss of function is a known mechanism of disease and is predicted to disrupt protein function. Please note: this variant was assessed in the context of healthy population screening.

Natera, Inc.
Classification: Pathogenic for Leber congenital amaurosis. Last evaluated: 2024-11-12. Review status: criteria provided, single submitter. Criteria: Natera Variant Classification Schema (03/2026). Collection method: clinical testing. Allele origin: germline.
Comment: The c.4522C>T variant in CEP290 is a nonsense variant predicted to introduce a stop codon at amino acid 1508. This variant is expected to result in nonsense mediated decay, truncation, or a dysfunctional protein product. This variant is rare in the general population with a frequency below the threshold expected for the associated phenotype(s). This variant has been observed in one or more individuals affected with the associated recessive disease, as either homozygous or compound heterozygous with a second variant (PMID: 26092869). Given the available evidence, this variant is classified as Pathogenic.

Fulgent Genetics
Classification: Pathogenic for Joubert syndrome 5; Senior-Loken syndrome 6; Meckel syndrome, type 4; Leber congenital amaurosis 10; Bardet-Biedl syndrome 14. Last evaluated: 2024-04-16. Review status: criteria provided, single submitter. Criteria: ACMG Guidelines, 2015. Collection method: clinical testing. Allele origin: germline.

GeneDx
Classification: Pathogenic. Last evaluated: 2024-03-14. Review status: criteria provided, single submitter. Criteria: GeneDx Variant Classification Process June 2021. Collection method: clinical testing. Allele origin: germline. Affected: yes.
Comment: Not observed at significant frequency in large population cohorts (gnomAD); Nonsense variant predicted to result in protein truncation or nonsense mediated decay in a gene for which loss of function is a known mechanism of disease; This variant is associated with the following publications: (PMID: 35314707, 26092869)

Labcorp Genetics (formerly Invitae), Labcorp
Classification: Pathogenic for Joubert syndrome; Meckel-Gruber syndrome; Nephronophthisis. Last evaluated: 2023-09-24. Review status: criteria provided, single submitter. Criteria: Invitae Variant Classification Sherloc (09022015). Collection method: clinical testing. Allele origin: germline.
Comment: For these reasons, this variant has been classified as Pathogenic. This sequence change creates a premature translational stop signal (p.Arg1508*) in the CEP290 gene. It is expected to result in an absent or disrupted protein product. Loss-of-function variants in CEP290 are known to be pathogenic (PMID: 16909394, 17345604, 20690115). This variant is present in population databases (rs749439750, gnomAD 0.003%). This premature translational stop signal has been observed in individual(s) with Joubert syndrome (PMID: 26092869). ClinVar contains an entry for this variant (Variation ID: 217639).

Baylor Genetics
Classification: Pathogenic for Bardet-Biedl syndrome 14. Last evaluated: 2023-07-19. Review status: criteria provided, single submitter. Criteria: ACMG Guidelines, 2015. Collection method: clinical testing. Allele origin: unknown.

Women's Health and Genetics/Laboratory Corporation of America, LabCorp
Classification: Pathogenic for Meckel syndrome, type 4. Last evaluated: 2023-02-17. Review status: criteria provided, single submitter. Criteria: LabCorp Variant Classification Summary - May 2015. Collection method: clinical testing. Allele origin: germline.
Comment: Variant summary: CEP290 c.4522C>T (p.Arg1508X) results in a premature termination codon, predicted to cause a truncation of the encoded protein or absence of the protein due to nonsense mediated decay, which are commonly known mechanisms for disease. Truncations downstream of this position have been classified as pathogenic by our laboratory. The variant allele was found at a frequency of 8e-06 in 248474 control chromosomes (gnomAD). The available data on variant occurrences in the general population are insufficient to allow any conclusion about variant significance. c.4522C>T has been reported in the literature in individuals affected with CEP290-related disorders, including Leber congenital amaurosis and Joubert syndrome (e.g. Rachel_2012, Bachmann-Gagescu_2015, Diderich_2021, Ginevrino_2019). These data indicate that the variant is likely to be associated with disease. At least one publication reported experimental evidence and demonstrated ciliation defects in fibroblasts from a patient, who carried another pathogenic variant in trans (Vandervore_2019). Eight ClinVar submitters (evaluation after 2014) have cited the variant, and all laboratories classified the variant as pathogenic. Based on the evidence outlined above, the variant was classified as pathogenic.

3billion
Classification: Pathogenic for Leber congenital amaurosis 10. Last evaluated: 2022-05-22. Review status: criteria provided, single submitter. Criteria: ACMG Guidelines, 2015. Collection method: clinical testing. Allele origin: germline. Affected: yes. Observed: 1 heterozygote.
Comment: The variant is observed at an extremely low frequency in the gnomAD v2.1.1 dataset (total allele frequency: <0.001%). Stop-gained (nonsense): predicted to result in a loss or disruption of normal protein function through nonsense-mediated decay (NMD) or protein truncation. Multiple pathogenic variants are reported downstream of the variant. The variant has been reported at least twice as pathogenic with clinical assertions and evidence for the classification (ClinVar ID: VCV000217639). Therefore, this variant is classified as pathogenic according to the recommendation of ACMG/AMP guideline.

Institute of Human Genetics, Univ. Regensburg, Univ. Regensburg
Classification: Pathogenic for Retinal dystrophy. Last evaluated: 2022-01-01. Review status: criteria provided, single submitter. Criteria: ACMG Guidelines, 2015. Collection method: clinical testing. Allele origin: germline. Affected: yes.

Blueprint Genetics
Classification: Pathogenic for CEP290-related disorders. Last evaluated: 2021-09-24. Review status: criteria provided, single submitter. Criteria: ACMG Guidelines, 2015. Collection method: clinical testing. Allele origin: germline. Affected: yes. Observed: 2 variant alleles.

Centre for Mendelian Genomics, University Medical Centre Ljubljana
Classification: Pathogenic for Joubert syndrome 5. Last evaluated: 2018-11-28. Review status: criteria provided, single submitter. Criteria: ACMG Guidelines, 2015. Collection method: clinical testing. Allele origin: unknown. Affected: yes.
Comment: This variant was classified as: Pathogenic. The following ACMG criteria were applied in classifying this variant: PVS1,PS1,PM2.

Eurofins Ntd Llc (ga)
Classification: Pathogenic. Last evaluated: 2016-11-18. Review status: criteria provided, single submitter. Criteria: EGL Classification Definitions 2015. Collection method: clinical testing. Allele origin: germline. Observed: 1 variant allele, 1 heterozygote.

UW Hindbrain Malformation Research Program, University of Washington
Classification: Pathogenic for Joubert syndrome 5. Last evaluated: 2015-02-23. Review status: criteria provided, single submitter. Criteria: Bachmann-Gagescu et al. (J Med Genet. 2015). Collection method: research. Allele origin: unknown. Affected: yes.

Clinical Genetics DNA and cytogenetics Diagnostics Lab, Erasmus MC, Erasmus Medical Center
Classification: Pathogenic. Review status: no assertion criteria provided. Collection method: clinical testing. Allele origin: germline. Affected: yes. Study: VKGL Data-share Consensus. Not counted in ClinVar's aggregate classification.

Genome Diagnostics Laboratory, Amsterdam University Medical Center
Classification: Pathogenic. Review status: no assertion criteria provided. Collection method: clinical testing. Allele origin: germline. Affected: yes. Study: VKGL Data-share Consensus. Not counted in ClinVar's aggregate classification.

Joint Genome Diagnostic Labs from Nijmegen and Maastricht, Radboudumc and MUMC+
Classification: Pathogenic. Review status: no assertion criteria provided. Collection method: clinical testing. Allele origin: germline. Affected: yes. Study: VKGL Data-share Consensus. Not counted in ClinVar's aggregate classification.

Literature cited by the submitters: PubMed 33249554 (cited by Myriad Genetics, Inc. and Women's Health and Genetics/Laboratory Corporation of America, LabCorp); PubMed 26092869 (cited by 4 submitters); PubMed 16909394 (cited by Labcorp Genetics (formerly Invitae), Labcorp); PubMed 17345604 (cited by Labcorp Genetics (formerly Invitae), Labcorp); PubMed 20690115 (cited by Labcorp Genetics (formerly Invitae), Labcorp); PubMed 22446187 (cited by Women's Health and Genetics/Laboratory Corporation of America, LabCorp); PubMed 30879067 (cited by Women's Health and Genetics/Laboratory Corporation of America, LabCorp); PubMed 31964843 (cited by Institute of Human Genetics, Univ. Regensburg, Univ. Regensburg); PubMed 35314707 (cited by Institute of Human Genetics, Univ. Regensburg, Univ. Regensburg).